The following is an entry in ClinVar:

ClinVar aggregate classification (germline): Uncertain significance. Review status: criteria provided, single submitter (1 of 4 stars). 2 submissions from 2 submitters: Uncertain significance (1). 1 of the submissions does not count toward it. Last evaluated 2021-08-02.

Conditions:
PXDNL-related disorder. Also called: PXDNL-related condition.

Allele frequency attached by ClinVar (database versions not stated): ExAC 0.00020; ESP Exome Variant Server 0.00039; gnomAD 0.00059; TOPMed 0.00075.
gnomAD v4.1: 409 of 1,613,734 alleles (0.025%); highest among the groups gnomAD compares: African/African-American, 0.17%; no homozygotes.

Submissions (2):

Ambry Genetics
Classification: Uncertain significance. Last evaluated: 2021-08-02. Review status: criteria provided, single submitter. Criteria: Ambry Variant Classification Scheme 2023. Collection method: clinical testing. Allele origin: germline.

PreventionGenetics, part of Exact Sciences
Classification: Likely benign for PXDNL-related condition. Last evaluated: 2023-01-03. Review status: no assertion criteria provided. Collection method: clinical testing. Allele origin: germline. Not counted in ClinVar's aggregate classification.
Comment: This variant is classified as likely benign based on ACMG/AMP sequence variant interpretation guidelines (Richards et al. 2015 PMID: 25741868, with internal and published modifications).

NM_144651.5(PXDNL):c.1705G>A (p.Asp569Asn)

Gene: PXDNL (peroxidasin like; minus strand). Cytogenetic location: 8q11.22.
Variant type: single nucleotide variant.
Coding change: c.1705G>A on transcript NM_144651.5 (MANE Select); coding-DNA position 1705, G replaced by A.
Protein change: p.Asp569Asn; replaces aspartic acid 569 with asparagine.
Molecular consequence: missense variant.
Genome position (GRCh38, 1-based): chr8:51,423,665, C>T on the plus strand (G>A on the coding strand, the complement: PXDNL is on the minus strand). VCF-style: chr8-51423665-C-T. GRCh37 (hg19) VCF-style: chr8-52336225-C-T.
Other names: short protein forms D569N.
Identifiers: ClinVar variation 2347262 (VCV002347262.4), dbSNP rs180899557, ClinGen allele CA4745267.
Genomic context (GRCh38, chr8:51,423,665, plus strand): 5'-CAAGGCCAAAAGAATTCCGAGCCACACATTCATATCTTCCCTGGTCAGGGAACCCTGCGT[C>T]GTAGATAGTCAGCGTGCCTTCATCATCCACATGGAATTTACCACTCTCAGTAATCTGCAC-3'
Protein context (NP_653252.4, residues 559-579): VDDEGTLTIY[Asp569Asn]AGFPDQGRYE